The following is an entry in ClinVar:

ClinVar aggregate classification (germline): Uncertain significance (1 of 4 stars; one submission).

Allele frequency attached by ClinVar (database versions not stated): TOPMed below 0.00001; gnomAD 0.00001.
gnomAD v4.1: 2 of 1,614,020 alleles (0.00012%); highest among the groups gnomAD compares: African/African-American, 0.0013%; no homozygotes.

Submission:

Ambry Genetics
Classification: Uncertain significance. Last evaluated: 2022-12-07. Review status: criteria provided, single submitter. Criteria: Ambry Variant Classification Scheme 2023. Collection method: clinical testing. Allele origin: germline.
Comment: The p.V7A variant (also known as c.20T>C), located in coding exon 1 of the MLH3 gene, results from a T to C substitution at nucleotide position 20. The valine at codon 7 is replaced by alanine, an amino acid with similar properties. This amino acid position is conserved. In addition, this alteration is predicted to be tolerated by in silico analysis. Since supporting evidence is limited at this time, the clinical significance of this alteration remains unclear.

NM_001040108.2(MLH3):c.20T>C (p.Val7Ala)

Gene: MLH3 (mutL homolog 3; minus strand). Cytogenetic location: 14q24.3.
Variant type: single nucleotide variant.
Coding change: c.20T>C on transcript NM_001040108.2 (MANE Select); coding-DNA position 20, T replaced by C.
Protein change: p.Val7Ala; replaces valine 7 with alanine.
Molecular consequence: missense variant.
Genome position (GRCh38, 1-based): chr14:75,049,636, A>G on the plus strand (T>C on the coding strand, the complement: MLH3 is on the minus strand). VCF-style: chr14-75049636-A-G. GRCh37 (hg19) VCF-style: chr14-75516339-A-G.
Other names: c.20T>C, p.Val7Ala (NM_014381.3); short protein forms V7A.
Identifiers: ClinVar variation 2448616 (VCV002448616.2), dbSNP rs1249743272, ClinGen allele CA390452774.